The following is an entry in ClinVar:

ClinVar aggregate classification (germline): Uncertain significance (1 of 4 stars; one submission).

Submission:

GeneDx
Classification: Uncertain significance. Last evaluated: 2024-06-21. Review status: criteria provided, single submitter. Criteria: GeneDx Variant Classification Process June 2021. Collection method: clinical testing. Allele origin: germline. Affected: yes.
Comment: Not observed at significant frequency in large population cohorts (gnomAD); In silico analysis supports that this missense variant has a deleterious effect on protein structure/function; Has not been previously published as pathogenic or benign to our knowledge

NM_001277115.2(DNAH11):c.7686C>G (p.Asn2562Lys)

Gene: DNAH11 (dynein axonemal heavy chain 11; plus strand). Cytogenetic location: 7p15.3.
Variant type: single nucleotide variant.
Coding change: c.7686C>G on transcript NM_001277115.2 (MANE Select); coding-DNA position 7686, C replaced by G.
Protein change: p.Asn2562Lys; replaces asparagine 2562 with lysine.
Molecular consequence: missense variant.
Genome position (GRCh38, 1-based): chr7:21,738,741, C>G. VCF-style: chr7-21738741-C-G. GRCh37 (hg19) VCF-style: chr7-21778359-C-G.
Other names: short protein forms N2562K.
Identifiers: ClinVar variation 3391546 (VCV003391546.1).
Genomic context (GRCh38, chr7:21,738,741, plus strand): 5'-GAAATATATGTTTATTTCAGAAATTCTTGAGAAACCCCTAGAGAAAAAAGCTGGTCATAA[C>G]TATGGTCCTGGAGGAAATAAAAAATTGATTTATTTTATCGACGACATGAACATGCCTGAA-3'
Protein context (NP_001264044.1, residues 2552-2572): EKPLEKKAGH[Asn2562Lys]YGPGGNKKLI